The following is an entry in ClinVar:

NM_203447.4(DOCK8):c.*378G>A

Gene: DOCK8 (dedicator of cytokinesis 8; plus strand). Cytogenetic location: 9p24.3.
Variant type: single nucleotide variant.
Coding change: c.*378G>A on transcript NM_203447.4 (MANE Select); 378 bases downstream of the stop codon, G replaced by A.
Molecular consequence: 3 prime UTR variant.
Genome position (GRCh38, 1-based): chr9:464,597, G>A. VCF-style: chr9-464597-G-A. GRCh37 (hg19) VCF-style: chr9-464597-G-A.
Other names: c.*378G>A (NM_001190458.2, NM_001193536.2).
Identifiers: ClinVar variation 913620 (VCV000913620.4), dbSNP rs544124760, ClinGen allele CA187757804.

ClinVar aggregate classification (germline): Likely benign (1 of 4 stars; one submission).

Conditions:
Combined immunodeficiency due to DOCK8 deficiency (HIES2). Also called: HIES autosomal recessive; Hyper-IgE recurrent infection syndrome, autosomal recessive; HYPER-IgE SYNDROME 2, AUTOSOMAL RECESSIVE, WITH RECURRENT INFECTIONS; DOCK8 Deficiency; HYPER-IgE RECURRENT INFECTION SYNDROME 2, AUTOSOMAL RECESSIVE. Identifiers: Orphanet 217390, MedGen C4722305, MONDO:0009478, OMIM 243700.

Allele frequency attached by ClinVar (database versions not stated): gnomAD exomes 0.00016; gnomAD 0.00040 and 0.00041; TOPMed 0.00045; 1000 Genomes Project 0.00100; 1000 Genomes Project 30x 0.00141.
gnomAD v4.1: 80 of 269,482 alleles (0.03%); highest among the groups gnomAD compares: Middle Eastern, 0.14%; no homozygotes.

Submission:

Illumina Laboratory Services, Illumina
Classification: Likely benign for Combined immunodeficiency due to DOCK8 deficiency. Last evaluated: 2018-01-12. Review status: criteria provided, single submitter. Criteria: ICSL Variant Classification Criteria 13 December 2019. Collection method: clinical testing. Allele origin: germline.
Comment: This variant was observed in the ICSL laboratory as part of a predisposition screen in an ostensibly healthy population. It had not been previously curated by ICSL or reported in the Human Gene Mutation Database (HGMD: prior to June 1st, 2018), and was therefore a candidate for classification through an automated scoring system. Utilizing variant allele frequency, disease prevalence and penetrance estimates, and inheritance mode, an automated score was calculated to assess if this variant is too frequent to cause the disease. Based on the score and internal cut-off values, a variant classified as likely benign is not then subjected to further curation. The score for this variant resulted in a classification of likely benign for this disease.